The following is an entry in ClinVar:

NM_012330.4(KAT6B):c.2899C>T (p.His967Tyr)

Gene: KAT6B (lysine acetyltransferase 6B; plus strand). Cytogenetic location: 10q22.2.
Variant type: single nucleotide variant.
Coding change: c.2899C>T on transcript NM_012330.4 (MANE Select); coding-DNA position 2899, C replaced by T.
Protein change: p.His967Tyr; replaces histidine 967 with tyrosine.
Molecular consequence: missense variant.
Genome position (GRCh38, 1-based): chr10:75,021,163, C>T. VCF-style: chr10-75021163-C-T. GRCh37 (hg19) VCF-style: chr10-76780921-C-T.
Other names: c.2350C>T, p.His784Tyr (NM_001256468.2, NM_001370138.1); c.2023C>T, p.His675Tyr (NM_001256469.2, NM_001370139.1, NM_001370140.1 and 2 more transcripts); c.1861C>T, p.His621Tyr (NM_001370132.1); c.1210C>T, p.His404Tyr (NM_001370133.1); c.814C>T, p.His272Tyr (NM_001370134.1); c.556C>T, p.His186Tyr (NM_001370135.1); c.2899C>T, p.His967Tyr (NM_001370136.1, NM_001370137.1); c.1834C>T, p.His612Tyr (NM_001370143.1, NM_001370144.1); short protein forms H186Y, H272Y, H404Y, H612Y, H621Y, H675Y, H784Y, H967Y.
Identifiers: ClinVar variation 3383871 (VCV003383871.1).
Genomic context (GRCh38, chr10:75,021,163, plus strand): 5'-TGTTCTGCCTTATCACATTACAGATTTGTCATCATTAGACGGGAAAAGTTGATATTGAGC[C>T]ACATGGAAAAGCTGAAAACCTGTTCCAGAGCCAATGAACTTGATCCAGACAGTCTGAGGT-3'
Protein context (NP_036462.2, residues 957-977): IIRREKLILS[His967Tyr]MEKLKTCSRA

ClinVar aggregate classification (germline): Uncertain significance (1 of 4 stars; one submission).

Submission:

GeneDx
Classification: Uncertain significance. Last evaluated: 2024-05-30. Review status: criteria provided, single submitter. Criteria: GeneDx Variant Classification Process June 2021. Collection method: clinical testing. Allele origin: germline. Affected: yes.
Comment: Not observed at significant frequency in large population cohorts (gnomAD); In silico analysis supports that this missense variant has a deleterious effect on protein structure/function; Has not been previously published as pathogenic or benign to our knowledge